The following is an entry in ClinVar:

NM_001164665.2(KIAA1549):c.4442G>T (p.Arg1481Leu)

Gene: KIAA1549 (KIAA1549; minus strand). Cytogenetic location: 7q34.
Variant type: single nucleotide variant.
Coding change: c.4442G>T on transcript NM_001164665.2 (MANE Select); coding-DNA position 4442, G replaced by T.
Protein change: p.Arg1481Leu; replaces arginine 1481 with leucine.
Molecular consequence: missense variant.
Genome position (GRCh38, 1-based): chr7:138,871,266, C>A on the plus strand (G>T on the coding strand, the complement: KIAA1549 is on the minus strand). VCF-style: chr7-138871266-C-A. GRCh37 (hg19) VCF-style: chr7-138556012-C-A.
Other names: c.4442G>T, p.Arg1481Leu (NM_020910.3); short protein forms R1481L.
Identifiers: ClinVar variation 1964137 (VCV001964137.5), dbSNP rs866370222, ClinGen allele CA369374761.

ClinVar aggregate classification (germline): Uncertain significance (1 of 4 stars; one submission).

Submission:

Labcorp Genetics (formerly Invitae), Labcorp
Classification: Uncertain significance. Last evaluated: 2021-12-18. Review status: criteria provided, single submitter. Criteria: Invitae Variant Classification Sherloc (09022015). Collection method: clinical testing. Allele origin: germline.
Comment: This sequence change replaces arginine, which is basic and polar, with leucine, which is neutral and non-polar, at codon 1481 of the KIAA1549 protein (p.Arg1481Leu). This variant is not present in population databases (gnomAD no frequency). This variant has not been reported in the literature in individuals affected with KIAA1549-related conditions. Algorithms developed to predict the effect of missense changes on protein structure and function (SIFT, PolyPhen-2, Align-GVGD) all suggest that this variant is likely to be disruptive. In summary, the available evidence is currently insufficient to determine the role of this variant in disease. Therefore, it has been classified as a Variant of Uncertain Significance.